The following is an entry in ClinVar:

ClinVar aggregate classification (germline): Likely benign. Review status: reviewed by expert panel (3 of 4 stars). 3 submissions from 3 submitters: Likely benign (1). 2 of the submissions do not count toward it. Last evaluated 2025-05-02.

Conditions:
Hereditary thrombocytopenia and hematological cancer predisposition syndrome associated with RUNX1. Also called: Familial Platelet Disorder with Propensity to Acute Myelogenous Leukemia; Familial thrombocytopenia with propensity to acute myelogenous leukemia; PLATELET DISORDER, ASPIRIN-LIKE; RUNX1 Familial Platelet Disorder with Associated Myeloid Malignancies. Identifiers: Orphanet 71290, MedGen C1832388, MeSH C563324, MONDO:0100083, OMIM 601399.
Inborn genetic diseases. Identifiers: MedGen C0950123, MeSH D030342.
Hereditary thrombocytopenia and hematologic cancer predisposition syndrome. Identifiers: Orphanet 71290, MedGen CN281654, MONDO:0011071.

Submissions (3):

ClinGen Myeloid Malignancy Variant Curation Expert Panel
Classification: Likely benign for Hereditary thrombocytopenia and hematologic cancer predisposition syndrome. Last evaluated: 2025-05-02. Review status: reviewed by expert panel. Criteria: ClinGen MyeloMalig ACMG Specifications v2. Collection method: curation. Allele origin: germline. Inheritance: Autosomal dominant inheritance.
Comment: NM_001754.5(RUNX1):c.549A>G (p.Pro183=) is a synonymous variant which has a SpliceAI score ≤ 0.20 (0.0) (BP4) and is predicted by evolutionary conservation algorithms to occur at a site that is not conserved (PhyloP score ≤ 2.0 (-2.8)) (BP7). This variant is completely absent from all population databases with at least 20x coverage for RUNX1 (PM2_Supporting). In summary, this variant meets criteria to be classified as likely benign. ACMG/AMP criteria applied, as specified by the Myeloid Malignancy Variant Curation Expert Panel for RUNX1: BP4, BP7, PM2_Supporting.

Ambry Genetics
Classification: Likely benign for Inborn genetic diseases. Last evaluated: 2026-08-08. Review status: criteria provided, single submitter. Criteria: Ambry Variant Classification Scheme 2023. Collection method: clinical testing. Allele origin: germline. Not counted in ClinVar's aggregate classification.

Labcorp Genetics (formerly Invitae), Labcorp
Classification: Likely benign for Hereditary thrombocytopenia and hematological cancer predisposition syndrome associated with RUNX1. Last evaluated: 2024-06-22. Review status: criteria provided, single submitter. Criteria: Invitae Variant Classification Sherloc (09022015). Collection method: clinical testing. Allele origin: germline. Not counted in ClinVar's aggregate classification.

NM_001754.5(RUNX1):c.549A>G (p.Pro183=)

Genes: RUNX1 (RUNX family transcription factor 1; minus strand), RUNX1-AS1 (RUNX1 antisense RNA 1; plus strand). Cytogenetic location: 21q22.12.
Variant type: single nucleotide variant.
Coding change: c.549A>G on transcript NM_001754.5 (MANE Select); coding-DNA position 549, A replaced by G.
Protein change: p.Pro183=; no amino-acid change (proline 183 retained).
Molecular consequence: synonymous variant.
Genome position (GRCh38, 1-based): chr21:34,859,538, T>C on the plus strand (A>G on the coding strand, the complement: RUNX1 is on the minus strand). VCF-style: chr21-34859538-T-C. GRCh37 (hg19) VCF-style: chr21-36231835-T-C.
Other names: NM_001754.5(RUNX1):c.549A>G; p.Pro183=; c.468A>G, p.Pro156= (NM_001001890.3, NM_001122607.2).
Identifiers: ClinVar variation 3657348 (VCV003657348.4).